The following is an entry in ClinVar:

NM_025099.6(CTC1):c.2124T>G (p.His708Gln)

Gene: CTC1 (CST telomere replication complex component 1; minus strand). Cytogenetic location: 17p13.1.
Variant type: single nucleotide variant.
Coding change: c.2124T>G on transcript NM_025099.6 (MANE Select); coding-DNA position 2124, T replaced by G.
Protein change: p.His708Gln; replaces histidine 708 with glutamine.
Molecular consequence: missense variant. On other transcripts: non-coding transcript variant (1).
Genome position (GRCh38, 1-based): chr17:8,232,164, A>C on the plus strand (T>G on the coding strand, the complement: CTC1 is on the minus strand). VCF-style: chr17-8232164-A-C. GRCh37 (hg19) VCF-style: chr17-8135482-A-C.
Other names: c.2124T>G, p.His708Gln (NM_001411067.1); short protein forms H708Q.
Identifiers: ClinVar variation 2097120 (VCV002097120.4), dbSNP rs2507899482, ClinGen allele CA397978883.

ClinVar aggregate classification (germline): Uncertain significance (1 of 4 stars; one submission).

Conditions:
Dyskeratosis congenita. Identifiers: Orphanet 1775, MedGen C0265965, MONDO:0015780.

Submission:

Labcorp Genetics (formerly Invitae), Labcorp
Classification: Uncertain significance for Dyskeratosis congenita. Last evaluated: 2022-11-17. Review status: criteria provided, single submitter. Criteria: Invitae Variant Classification Sherloc (09022015). Collection method: clinical testing. Allele origin: germline.
Comment: In summary, the available evidence is currently insufficient to determine the role of this variant in disease. Therefore, it has been classified as a Variant of Uncertain Significance. This sequence change replaces histidine, which is basic and polar, with glutamine, which is neutral and polar, at codon 708 of the CTC1 protein (p.His708Gln). This variant is not present in population databases (gnomAD no frequency). This variant has not been reported in the literature in individuals affected with CTC1-related conditions. Advanced modeling of protein sequence and biophysical properties (such as structural, functional, and spatial information, amino acid conservation, physicochemical variation, residue mobility, and thermodynamic stability) performed at Invitae indicates that this missense variant is not expected to disrupt CTC1 protein function.